The following is an entry in ClinVar:

NM_001165963.4(SCN1A):c.4628T>C (p.Phe1543Ser)

Genes: SCN1A (sodium voltage-gated channel alpha subunit 1; minus strand), LOC102724058 (uncharacterized LOC102724058; plus strand). Cytogenetic location: 2q24.3.
Variant type: single nucleotide variant.
Coding change: c.4628T>C on transcript NM_001165963.4 (MANE Select); coding-DNA position 4628, T replaced by C.
Protein change: p.Phe1543Ser; replaces phenylalanine 1543 with serine.
Molecular consequence: missense variant. On other transcripts: non-coding transcript variant (1).
Genome position (GRCh38, 1-based): chr2:165,994,370, A>G on the plus strand (T>C on the coding strand, the complement: SCN1A is on the minus strand). VCF-style: chr2-165994370-A-G. GRCh37 (hg19) VCF-style: chr2-166850880-A-G.
Other names: p.F1543S:TTT>TCT; c.4544T>C, p.Phe1515Ser (NM_001165964.3, NM_001353957.2, NM_001353958.2); c.4628T>C, p.Phe1543Ser (NM_001202435.3, NM_001353948.2); c.4595T>C, p.Phe1532Ser (NM_001353949.2, NM_001353950.2, NM_001353951.2 and 2 more transcripts); c.4592T>C, p.Phe1531Ser (NM_001353954.2, NM_001353955.2); c.4541T>C, p.Phe1514Ser (NM_001353960.2); c.2186T>C, p.Phe729Ser (NM_001353961.2); short protein forms F1532S, F1543S, F1515S, F1531S, F729S, F1514S.
Identifiers: ClinVar variation 68550 (VCV000068550.13), dbSNP rs121917992, ClinGen allele CA145246.

ClinVar aggregate classification (germline): Conflicting classifications of pathogenicity. Review status: criteria provided, conflicting classifications (1 of 4 stars). 6 submissions from 6 submitters: Likely pathogenic (1); Uncertain significance (3); Likely benign (1). 1 of the submissions does not count toward it. Last evaluated 2024-12-24.

Conditions:
Early-infantile DEE. Also called: Early infantile epileptic encephalopathy; Early infantile epileptic encephalopathy with suppression bursts; Ohtahara syndrome. Identifiers: Orphanet 1934, MedGen C0393706, MONDO:0800491.
Focal epilepsy. Also called: partial epilepsy. Identifiers: MedGen C0014547, MeSH D004828, MONDO:0005384.
Severe myoclonic epilepsy in infancy (DRVT). Also called: SEVERE MYOCLONIC EPILEPSY OF INFANCY; DEVELOPMENTAL AND EPILEPTIC ENCEPHALOPATHY 6A; Severe Myoclonic Epilepsy in Infancy (SMEI); Dravet syndrome; Epileptic encephalopathy, early infantile, 6 (Dravet syndrome). Identifiers: Orphanet 33069, MedGen C0751122, MONDO:0100135, OMIM 607208.

Allele frequency attached by ClinVar (database versions not stated): gnomAD 0.00001; TOPMed 0.00001; ExAC 0.00002; gnomAD exomes 0.00002.
gnomAD v4.1: 26 of 1,612,902 alleles (0.0016%); highest among the groups gnomAD compares: Non-Finnish European, 0.0021%; no homozygotes.

Submissions (6):

Labcorp Genetics (formerly Invitae), Labcorp
Classification: Likely pathogenic for Early-infantile DEE. Last evaluated: 2024-12-24. Review status: criteria provided, single submitter. Criteria: Invitae Variant Classification Sherloc (09022015). Collection method: clinical testing. Allele origin: germline.
Comment: This sequence change replaces phenylalanine, which is neutral and non-polar, with serine, which is neutral and polar, at codon 1543 of the SCN1A protein (p.Phe1543Ser). This variant is present in population databases (rs121917992, gnomAD 0.004%). This missense change has been observed in individuals with clinical features of autosomal dominant seizure disorders (PMID: 17347258; internal data). ClinVar contains an entry for this variant (Variation ID: 68550). Invitae Evidence Modeling of protein sequence and biophysical properties (such as structural, functional, and spatial information, amino acid conservation, physicochemical variation, residue mobility, and thermodynamic stability) indicates that this missense variant is expected to disrupt SCN1A protein function with a positive predictive value of 95%. In summary, the currently available evidence indicates that the variant is pathogenic, but additional data are needed to prove that conclusively. Therefore, this variant has been classified as Likely Pathogenic.

Molecular Genetics, Royal Melbourne Hospital
Classification: Likely benign for Severe myoclonic epilepsy in infancy. Last evaluated: 2024-12-06. Review status: criteria provided, single submitter. Criteria: ACMG Guidelines, 2015. Collection method: clinical testing. Allele origin: germline. Inheritance: Autosomal dominant inheritance.
Comment: Based on the classification scheme RMH Modified ACMG/AMP Guidelines v1.7.0, this variant is classified as Likely benign. Following criteria are met: BP5, BS1, PP3_Moderate.

GeneDx
Classification: Uncertain significance. Last evaluated: 2023-03-27. Review status: criteria provided, single submitter. Criteria: GeneDx Variant Classification Process June 2021. Collection method: clinical testing. Allele origin: germline. Affected: yes.
Comment: Not observed at significant frequency in large population cohorts (gnomAD); In silico analysis supports that this missense variant has a deleterious effect on protein structure/function; Missense variants in this gene are often considered pathogenic (HGMD); This substitution is predicted to be within the transmembrane segment S1 of the fourth homologous domain; This variant is associated with the following publications: (PMID: 24328833, 26076853, 17347258, 29064093)

Baylor Genetics
Classification: Uncertain significance for Severe myoclonic epilepsy in infancy. Last evaluated: 2018-06-05. Review status: criteria provided, single submitter. Criteria: ACMG Guidelines, 2015. Collection method: clinical testing. Allele origin: maternal. Affected: yes.
Comment: This variant was determined to be of uncertain significance according to ACMG Guidelines, 2015 [PMID:25741868].

Eurofins Ntd Llc (ga)
Classification: Uncertain significance. Last evaluated: 2016-11-07. Review status: criteria provided, single submitter. Criteria: EGL Classification Definitions 2015. Collection method: clinical testing. Allele origin: germline. Observed: 1 variant allele, 1 heterozygote.

UniProtKB/Swiss-Prot
No classification provided. Review status: no classification provided. Collection method: not provided. Allele origin: unknown. Not counted in ClinVar's aggregate classification.

Literature cited by the submitters: PubMed 17347258 (cited by Labcorp Genetics (formerly Invitae), Labcorp).